The following is an entry in ClinVar:

ClinVar aggregate classification (germline): Conflicting classifications of pathogenicity. Review status: criteria provided, conflicting classifications (1 of 4 stars). 13 submissions from 13 submitters: Uncertain significance (1); Benign (2); Likely benign (6). 4 of the submissions do not count toward it. Last evaluated 2026-09-21.

Conditions:
DMD-related disorder. Also called: DMD-related condition.
Duchenne muscular dystrophy (DMD). Also called: MUSCULAR DYSTROPHY, PSEUDOHYPERTROPHIC PROGRESSIVE, DUCHENNE TYPE; Duchenne Muscular Dystrophy (DMD). Identifiers: Orphanet 98896, MedGen C0013264, MONDO:0010679, OMIM 310200.
Intellectual disability. Also called: Intellectual developmental disorder; Intellectual functioning disability; intellectual disabilities. Identifiers: MedGen C3714756, MeSH D008607, MONDO:0001071, HP:0001249.

Submissions (13):

Molecular Diagnostic Laboratory for Inherited Cardiovascular Disease, Montreal Heart Institute
Classification: Likely benign. Last evaluated: 2026-09-21. Review status: criteria provided, single submitter. Criteria: ACMG Guidelines, 2015. Collection method: clinical testing. Allele origin: germline. Affected: no.
Comment: BS1;BP6

Labcorp Genetics (formerly Invitae), Labcorp
Classification: Benign for Duchenne muscular dystrophy. Last evaluated: 2025-08-18. Review status: criteria provided, single submitter. Criteria: Invitae Variant Classification Sherloc (09022015). Collection method: clinical testing. Allele origin: germline.

CeGaT Center for Human Genetics Tuebingen
Classification: Likely benign. Last evaluated: 2025-04-01. Review status: criteria provided, single submitter. Criteria: CeGaT Center For Human Genetics Tuebingen Variant Classification Criteria Version 2. Collection method: clinical testing. Allele origin: germline. Affected: yes. Observed: 3 variant alleles.
Comment: DMD: BS2

Laboratory of Genetics, Children's Clinical University Hospital Latvia
Classification: Likely benign. Last evaluated: 2025-02-16. Review status: criteria provided, single submitter. Criteria: ACMG Guidelines, 2015. Collection method: clinical testing. Allele origin: germline. Affected: yes.

Blueprint Genetics
Classification: Likely benign. Last evaluated: 2024-02-27. Review status: criteria provided, single submitter. Criteria: ACMG Guidelines, 2015. Collection method: clinical testing. Allele origin: germline.

Women's Health and Genetics/Laboratory Corporation of America, LabCorp
Classification: Benign. Last evaluated: 2019-09-27. Review status: criteria provided, single submitter. Criteria: LabCorp Variant Classification Summary - May 2015. Collection method: clinical testing. Allele origin: germline.
Comment: Variant summary: DMD c.*23_*35del13 is located in the untranslated mRNA region downstream of the termination codon. Though this variant also affects the coding region of other DMD transcripts (predictably disrupting their reading frame), the role of these affected dystrophin isoforms (e.g. Dp71 (NM_004016.2)) in disease currently is unclear. 5/5 computational tools predict no significant impact on normal splicing. However, these predictions have yet to be confirmed by functional studies. The variant allele was found at a frequency of 0.00026 in 182672 control chromosomes. The observed variant frequency is approximately 23.33 fold of the estimated maximal expected allele frequency for a pathogenic variant in DMD causing Dystrophinopathies phenotype (1.1e-05), strongly suggesting that the variant is benign. c.*23_*35del13 has been reported in the literature in 3 individuals affected with Dystrophinopathies, however without strong evidence for causality (Nigro 1994, Spitali 2009, Santos 2014). On the other hand, another DMD patient carrying the variant of interest, had no mental impairment (Nigro 1994). To our knowledge, no experimental evidence demonstrating an impact on protein function has been reported. Two clinical diagnostic laboratories have submitted clinical-significance assessments for this variant to ClinVar after 2014 without evidence for independent evaluation. One laboratory classified the variant as benign/likely benign, and one laboratory classified the variant as uncertain significance. Based on the evidence outlined above, the variant was classified as benign.

Cambridge Genomics Laboratory, East Genomic Laboratory Hub, NHS Genomic Medicine Service
Classification: Likely benign for Intellectual disability. Last evaluated: 2019-01-29. Review status: criteria provided, single submitter. Criteria: ACGS Best Practice Guidelines for Variant Classification in Rare Disease 2020. Collection method: clinical testing. Allele origin: germline. Affected: yes. Observed: 1 variant allele.

GeneDx
Classification: Likely benign. Last evaluated: 2017-08-25. Review status: criteria provided, single submitter. Criteria: GeneDx Variant Classification (06012015). Collection method: clinical testing. Allele origin: germline. Affected: yes.
Comment: This variant is considered likely benign or benign based on one or more of the following criteria: it is a conservative change, it occurs at a poorly conserved position in the protein, it is predicted to be benign by multiple in silico algorithms, and/or has population frequency not consistent with disease.

Laboratory for Molecular Medicine, Mass General Brigham Personalized Medicine
Classification: Uncertain significance. Last evaluated: 2015-06-24. Review status: criteria provided, single submitter. Criteria: LMM Criteria. Collection method: clinical testing. Allele origin: germline. Observed: 1 variant allele.
Comment: The p.Asp1223fs in DMD has not been previously reported in individuals with musc ular dystrophy or cardiomyopathy, but has been identified in 22/47909 European c hromosomes, including 6 hemizygotes, by the Exome Aggregation Consortium (ExAC). This variant is predicted to cause a frameshift , which alters the protein?s amino acid sequence beginning 28 amino acids upstre am of the C-terminus, leading to a termination codon 6 amino acids downstream. N onsense variants are generally predicted to cause absent protein; however when p resent in the last exon (as is the case for this variant), they are expected to result in a truncated protein. The established disease mechanism for DMD gene is loss of function and the role of other variants is less well understood. In add ition, this variant only affects the coding region on transcripts whose function al impact on skeletal and cardiac muscle is unclear (NM_004016.2, NM_004018.2, N M_004021.2; NM_004022.2, NM_004023.2). While the presence in hemizygous control individuals and lack of impact on coding region of the primary muscle dystrophi n isoform raises some doubt as to whether this variant can cause disease, the DM D gene has not been well sequenced in individuals with diagnoses other than Duch enne muscular dystrophy. Therefore the clinical significance of the p.Asp1223fs variant remains uncertain.

PreventionGenetics, part of Exact Sciences
Classification: Likely benign for DMD-related condition. Last evaluated: 2020-11-06. Review status: no assertion criteria provided. Collection method: clinical testing. Allele origin: germline. Not counted in ClinVar's aggregate classification.
Comment: This variant is classified as likely benign based on ACMG/AMP sequence variant interpretation guidelines (Richards et al. 2015 PMID: 25741868, with internal and published modifications).

Clinical Genetics DNA and cytogenetics Diagnostics Lab, Erasmus MC, Erasmus Medical Center
Classification: Likely benign. Review status: no assertion criteria provided. Collection method: clinical testing. Allele origin: germline. Affected: yes. Study: VKGL Data-share Consensus. Not counted in ClinVar's aggregate classification.

Diagnostic Laboratory, Department of Genetics, University Medical Center Groningen
Classification: Likely benign. Review status: no assertion criteria provided. Collection method: clinical testing. Allele origin: germline. Affected: yes. Study: VKGL Data-share Consensus. Not counted in ClinVar's aggregate classification.

Laboratory of Diagnostic Genome Analysis, Leiden University Medical Center (LUMC)
Classification: Benign. Review status: no assertion criteria provided. Collection method: clinical testing. Allele origin: germline. Affected: yes. Study: VKGL Data-share Consensus. Not counted in ClinVar's aggregate classification.

Literature cited by the submitters: PubMed 19760747 (cited by Women's Health and Genetics/Laboratory Corporation of America, LabCorp); PubMed 25007885 (cited by Women's Health and Genetics/Laboratory Corporation of America, LabCorp); PubMed 7849724 (cited by Women's Health and Genetics/Laboratory Corporation of America, LabCorp).

NM_004006.3(DMD):c.*23_*35del

Gene: DMD (dystrophin; minus strand). Cytogenetic location: Xp21.2.
Variant type: Deletion.
Coding change: c.*23_*35del on transcript NM_004006.3 (MANE Select); 23 bases downstream of the stop codon through 35 bases downstream of the stop codon, 13 bases deleted (TGATTTGGGCAGA).
Molecular consequence: 3 prime UTR variant. On other transcripts: frameshift variant (5).
Genome position (GRCh38, 1-based): chrX:31,121,884-31,121,896, TCTGCCCAAATCA deleted on the plus strand (TGATTTGGGCAGA on the coding strand, the reverse complement: DMD is on the minus strand); deleting any 13 consecutive bases within chrX:31,121,884-31,121,902 gives the same sequence; the c. name uses the placement nearest the transcript's 3' end. VCF-style (leftmost placement, unchanged base first): chrX-31121883-CTCTGCCCAAATCA-C. GRCh37 (hg19) VCF-style: chrX-31140000-CTCTGCCCAAATCA-C.
Other names: c.3663_3675delGGCAGATGATTTG (NM_004021.2); c.*23_*35del (NM_000109.4, NM_004009.3, NM_004010.3 and 7 more transcripts); c.1845_1857del, p.Asp615fs (NM_004016.3); c.1806_1818del, p.Asp602fs (NM_004018.3); c.3669_3681del, p.Asp1223fs (NM_004021.3); c.3630_3642del, p.Asp1210fs (NM_004022.3); c.3339_3351del, p.Asp1113fs (NM_004023.3); c.3669_3681del13 (NM_004021.2); and 1 more; short protein forms D1223fs, D602fs, D1113fs, D1210fs, D615fs.
Identifiers: ClinVar variation 201754 (VCV000201754.57), dbSNP rs752332058, ClinGen allele CA308409.